The following is an entry in ClinVar:

ClinVar aggregate classification (germline): Uncertain significance. Review status: criteria provided, multiple submitters, no conflicts (2 of 4 stars). 4 submissions from 4 submitters: Uncertain significance (3). 1 of the submissions does not count toward it. Last evaluated 2025-11-06.

Conditions:
Biotinidase deficiency. Also called: BTD deficiency; Late-onset biotin-responsive multiple carboxylase deficiency; Biotin deficiency. Identifiers: Orphanet 79241, MedGen C0220754, MONDO:0009665, OMIM 253260.

Allele frequency attached by ClinVar (database versions not stated): ExAC 0.00003; TOPMed 0.00006; gnomAD 0.00007 and 0.00008; ESP Exome Variant Server 0.00008.

Submissions (4):

Women's Health and Genetics/Laboratory Corporation of America, LabCorp
Classification: Uncertain significance. Last evaluated: 2025-11-06. Review status: criteria provided, single submitter. Criteria: LabCorp Variant Classification Summary - May 2015. Collection method: clinical testing. Allele origin: germline.
Comment: Variant summary: BTD c.986A>C (p.Asn329Thr) results in a non-conservative amino acid change in the encoded protein sequence. Algorithms developed to predict the effect of missense changes on protein structure and function are either unavailable or do not agree on the potential impact of this missense change. The variant allele was found at a frequency of 5.2e-05 in 251348 control chromosomes. This frequency is not significantly higher than estimated for disease-causing variants in BTD, allowing no conclusion about variant significance. c.986A>C has been observed in an individual affected with Biotinidase Deficiency (Procter_2016). These data do not allow any conclusion about variant significance. To our knowledge, no experimental evidence demonstrating an impact on protein function has been reported. The following publications have been ascertained in the context of this evaluation (PMID: 36684547, 26810761). ClinVar contains an entry for this variant (Variation ID: 25107). Based on the evidence outlined above, the variant was classified as uncertain significance.

Fulgent Genetics
Classification: Uncertain significance for Biotinidase deficiency. Last evaluated: 2021-09-23. Review status: criteria provided, single submitter. Criteria: ACMG Guidelines, 2015. Collection method: clinical testing. Allele origin: unknown.

Eurofins Ntd Llc (ga)
Classification: Uncertain significance. Last evaluated: 2015-07-17. Review status: criteria provided, single submitter. Criteria: EGL Classification Definitions 2015. Collection method: clinical testing. Allele origin: germline. Observed: 2 variant alleles, 2 heterozygotes.

Counsyl
Classification: Uncertain significance for Biotinidase deficiency. Last evaluated: 2018-03-27. Review status: no assertion criteria provided. Collection method: clinical testing. Allele origin: unknown. Not counted in ClinVar's aggregate classification.

Literature cited by the submitters: PubMed 26810761 (cited by Women's Health and Genetics/Laboratory Corporation of America, LabCorp and Counsyl); PubMed 36684547 (cited by Women's Health and Genetics/Laboratory Corporation of America, LabCorp).

NM_001370658.1(BTD):c.986A>C (p.Asn329Thr)

Gene: BTD (biotinidase; plus strand). Cytogenetic location: 3p25.1.
Variant type: single nucleotide variant.
Coding change: c.986A>C on transcript NM_001370658.1 (MANE Select); coding-DNA position 986, A replaced by C.
Protein change: p.Asn329Thr; replaces asparagine 329 with threonine.
Molecular consequence: missense variant. On other transcripts: intron variant (1).
Genome position (GRCh38, 1-based): chr3:15,644,902, A>C. VCF-style: chr3-15644902-A-C. GRCh37 (hg19) VCF-style: chr3-15686409-A-C.
Other names: c.1046A>C, p.Asn349Thr (NM_000060.4); c.986A>C, p.Asn329Thr (NM_001281723.4, NM_001281724.3, NM_001281725.3 and 18 more transcripts); c.399+2845A>C (NM_001370753.1); short protein forms N329T.
Identifiers: ClinVar variation 25107 (VCV000025107.10), dbSNP rs200327983, ClinGen allele CA278370.